The following is an entry in ClinVar:

NM_007347.5(AP4E1):c.1105A>C (p.Thr369Pro)

Gene: AP4E1 (adaptor related protein complex 4 subunit epsilon 1; plus strand). Cytogenetic location: 15q21.2.
Variant type: single nucleotide variant.
Coding change: c.1105A>C on transcript NM_007347.5 (MANE Select); coding-DNA position 1105, A replaced by C.
Protein change: p.Thr369Pro; replaces threonine 369 with proline.
Molecular consequence: missense variant.
Genome position (GRCh38, 1-based): chr15:50,941,704, A>C. VCF-style: chr15-50941704-A-C. GRCh37 (hg19) VCF-style: chr15-51233901-A-C.
Other names: c.880A>C, p.Thr294Pro (NM_001252127.2); short protein forms T369P, T294P.
Identifiers: ClinVar variation 210197 (VCV000210197.14), dbSNP rs149682827, ClinGen allele CA208488.

ClinVar aggregate classification (germline): Uncertain significance. Review status: criteria provided, multiple submitters, no conflicts (2 of 4 stars). 3 submissions from 3 submitters: Uncertain significance (3). Last evaluated 2022-05-25.

Conditions:
Hereditary spastic paraplegia. Also called: Familial spastic paraparesis. Identifiers: Orphanet 685, MedGen C0037773, MONDO:0019064. Disease mechanism: loss of function.
Spastic paraplegia. Identifiers: MedGen C0037772, HP:0001258.

Allele frequency attached by ClinVar (database versions not stated): gnomAD exomes 0.00005; ExAC 0.00008; gnomAD 0.00011 and 0.00015; TOPMed 0.00017; ESP Exome Variant Server 0.00023; 1000 Genomes Project 30x 0.00125; 1000 Genomes Project 0.00140.
gnomAD v4.1: 38 of 1,613,684 alleles (0.0024%); highest among the groups gnomAD compares: African/African-American, 0.045%; no homozygotes.

Submissions (3):

Labcorp Genetics (formerly Invitae), Labcorp
Classification: Uncertain significance for Spastic paraplegia. Last evaluated: 2022-05-25. Review status: criteria provided, single submitter. Criteria: Invitae Variant Classification Sherloc (09022015). Collection method: clinical testing. Allele origin: germline.
Comment: In summary, the available evidence is currently insufficient to determine the role of this variant in disease. Therefore, it has been classified as a Variant of Uncertain Significance. Algorithms developed to predict the effect of missense changes on protein structure and function (SIFT, PolyPhen-2, Align-GVGD) all suggest that this variant is likely to be tolerated. ClinVar contains an entry for this variant (Variation ID: 210197). This variant has not been reported in the literature in individuals affected with AP4E1-related conditions. This variant is present in population databases (rs149682827, gnomAD 0.07%). This sequence change replaces threonine, which is neutral and polar, with proline, which is neutral and non-polar, at codon 369 of the AP4E1 protein (p.Thr369Pro).

Genome Diagnostics Laboratory, The Hospital for Sick Children
Classification: Uncertain significance for Hereditary spastic paraplegia. Last evaluated: 2017-06-23. Review status: criteria provided, single submitter. Criteria: ACMG Guidelines, 2015. Collection method: clinical testing. Allele origin: germline. Affected: yes.

Genetic Services Laboratory, University of Chicago
Classification: Uncertain significance. Last evaluated: 2015-05-04. Review status: criteria provided, single submitter. Criteria: ACMG Guidelines, 2015. Collection method: clinical testing. Allele origin: germline.